The following is an entry in ClinVar:

ClinVar aggregate classification (germline): Pathogenic. Review status: criteria provided, multiple submitters, no conflicts (2 of 4 stars). 2 submissions from 2 submitters: Pathogenic (2). Last evaluated 2025-11-25.

Conditions:
Hereditary cancer-predisposing syndrome. Also called: Neoplastic Syndromes, Hereditary; Tumor predisposition; Hereditary Cancer Syndrome; Hereditary neoplastic syndrome. Identifiers: Orphanet 140162, MedGen C0027672, MeSH D009386, MONDO:0015356.
Pheochromocytoma. Also called: MAX-Related Hereditary Paraganglioma-Pheochromocytoma Syndrome. Identifiers: Orphanet 29072, MedGen C0031511, MONDO:0008233, OMIM 171300, HP:0002666.
Pheochromocytoma/paraganglioma syndrome 4. Also called: CAROTID BODY TUMORS AND MULTIPLE EXTRAADRENAL PHEOCHROMOCYTOMAS; PARAGANGLIOMA, FAMILIAL MALIGNANT; PARAGANGLIOMAS, HEREDITARY EXTRAADRENAL; PHEOCHROMOCYTOMA, FAMILIAL EXTRAADRENAL; Paragangliomas 4; SDHB-Related Hereditary Paraganglioma-Pheochromocytoma Syndrome (Paragangliomas 4). Identifiers: Orphanet 29072, MedGen C1861848, MONDO:0007273, OMIM 115310.
Gastrointestinal stromal tumor. Also called: Gastrointestinal stromal tumor, somatic; Gastrointestinal stroma tumor. Identifiers: Orphanet 44890, MedGen C0238198, MeSH D046152, MONDO:0011719, OMIM 606764, HP:0100723.

Submissions (2):

Ambry Genetics
Classification: Pathogenic for Hereditary cancer-predisposing syndrome. Last evaluated: 2025-11-25. Review status: criteria provided, single submitter. Criteria: Ambry Variant Classification Scheme 2023. Collection method: clinical testing. Allele origin: germline.
Comment: The p.M1? pathogenic mutation (also known as c.1A>C) is located in coding exon 1 of the SDHB gene and results from an A to C substitution at nucleotide position 1. This alters the methionine residue at the initiation codon (ATG). This variant is considered to be rare based on population cohorts in the Genome Aggregation Database (gnomAD). This amino acid position is highly conserved in available vertebrate species. Sequence variations that modify the initiation codon are expected to result in either loss of translation initiation, N-terminal truncation, or cause a shift in the mRNA reading frame. Based on the supporting evidence, this variant is interpreted as a disease-causing mutation.

Labcorp Genetics (formerly Invitae), Labcorp
Classification: Pathogenic for Gastrointestinal stromal tumor; Pheochromocytoma/paraganglioma syndrome 4; Pheochromocytoma. Last evaluated: 2025-03-16. Review status: criteria provided, single submitter. Criteria: Invitae Variant Classification Sherloc (09022015). Collection method: clinical testing. Allele origin: germline.
Comment: This sequence change affects the initiator methionine of the SDHB mRNA. The next in-frame methionine is located at codon 58. This variant is not present in population databases (gnomAD no frequency). Disruption of the initiator codon has been observed in individuals with paragangliomas, pheochromocytomas and renal cell carcinomas (PMID: 23512077, 24096523, 27279923, 28374168, 32741965). This variant disrupts a region of the SDHB protein in which other variant(s) (p.Arg46Gln) have been determined to be pathogenic (PMID: 12618761, 14500403, 15328326, 16314641, 17102082, 18362451, 23083876, 23282968). This suggests that this is a clinically significant region of the protein, and that variants that disrupt it are likely to be disease-causing. For these reasons, this variant has been classified as Pathogenic.

Literature cited by the submitters: PubMed 23512077 (cited by Labcorp Genetics (formerly Invitae), Labcorp); PubMed 24096523 (cited by Labcorp Genetics (formerly Invitae), Labcorp); PubMed 27279923 (cited by Labcorp Genetics (formerly Invitae), Labcorp); PubMed 28374168 (cited by Labcorp Genetics (formerly Invitae), Labcorp); PubMed 32741965 (cited by Labcorp Genetics (formerly Invitae), Labcorp); PubMed 12618761 (cited by Labcorp Genetics (formerly Invitae), Labcorp); PubMed 14500403 (cited by Labcorp Genetics (formerly Invitae), Labcorp); PubMed 15328326 (cited by Labcorp Genetics (formerly Invitae), Labcorp); PubMed 16314641 (cited by Labcorp Genetics (formerly Invitae), Labcorp); PubMed 17102082 (cited by Labcorp Genetics (formerly Invitae), Labcorp); PubMed 18362451 (cited by Labcorp Genetics (formerly Invitae), Labcorp); PubMed 23083876 (cited by Labcorp Genetics (formerly Invitae), Labcorp); PubMed 23282968 (cited by Labcorp Genetics (formerly Invitae), Labcorp).

NM_003000.3(SDHB):c.1A>C (p.Met1Leu)

Gene: SDHB (succinate dehydrogenase complex iron sulfur subunit B; minus strand). Cytogenetic location: 1p36.13.
Variant type: single nucleotide variant.
Coding change: c.1A>C on transcript NM_003000.3 (MANE Select); coding-DNA position 1, A replaced by C.
Protein change: p.Met1Leu; changes the start codon (methionine 1).
Molecular consequence: missense variant, initiator codon variant.
Genome position (GRCh38, 1-based): chr1:17,054,019, T>G on the plus strand (A>C on the coding strand, the complement: SDHB is on the minus strand). VCF-style: chr1-17054019-T-G. GRCh37 (hg19) VCF-style: chr1-17380514-T-G.
Other names: c.1A>C, p.Met1Leu (NM_001407361.1); short protein forms M1L.
Identifiers: ClinVar variation 4547804 (VCV004547804.2).